The following is an entry in ClinVar:

ClinVar aggregate classification (germline): Uncertain significance (1 of 4 stars; one submission).

Conditions:
Hereditary cancer-predisposing syndrome. Also called: Neoplastic Syndromes, Hereditary; Tumor predisposition; Hereditary Cancer Syndrome; Hereditary neoplastic syndrome. Identifiers: Orphanet 140162, MedGen C0027672, MeSH D009386, MONDO:0015356.

Submission:

Ambry Genetics
Classification: Uncertain significance for Hereditary cancer-predisposing syndrome. Last evaluated: 2025-12-06. Review status: criteria provided, single submitter. Criteria: Ambry Variant Classification Scheme 2023. Collection method: clinical testing. Allele origin: germline.
Comment: The p.K135R variant (also known as c.404A>G), located in coding exon 3 of the DICER1 gene, results from an A to G substitution at nucleotide position 404. The lysine at codon 135 is replaced by arginine, an amino acid with highly similar properties. This amino acid position is conserved. In addition, this alteration is predicted to be tolerated by in silico analysis. Based on the available evidence, the clinical significance of this variant remains unclear.

NM_177438.3(DICER1):c.404A>G (p.Lys135Arg)

Gene: DICER1 (dicer 1, ribonuclease III; minus strand). Cytogenetic location: 14q32.13.
Variant type: single nucleotide variant.
Coding change: c.404A>G on transcript NM_177438.3 (MANE Select); coding-DNA position 404, A replaced by G.
Protein change: p.Lys135Arg; replaces lysine 135 with arginine.
Molecular consequence: missense variant. On other transcripts: 5 prime UTR variant (2), non-coding transcript variant (5), intron variant (6).
Genome position (GRCh38, 1-based): chr14:95,131,543, T>C on the plus strand (A>G on the coding strand, the complement: DICER1 is on the minus strand). VCF-style: chr14-95131543-T-C. GRCh37 (hg19) VCF-style: chr14-95597880-T-C.
Other names: c.404A>G, p.Lys135Arg (NM_001195573.1, NM_001271282.3, NM_001291628.2 and 14 more transcripts); c.122A>G, p.Lys41Arg (NM_001395686.1); c.-55A>G (NM_001395691.1); c.-1165A>G (NM_001395697.1); c.33+972A>G (NM_001395690.1, NM_001395687.1, NM_001395689.1 and 3 more transcripts); short protein forms K41R, K135R.
Identifiers: ClinVar variation 4637854 (VCV004637854.1).
Genomic context (GRCh38, chr14:95,131,543, plus strand): 5'-AAGTGAAATTTCTCTACAAGTCTTACCTGGTGCTTAGTAAACTCTTGGTTCCATCTCTCT[T>C]TTGTCCAAGATGCATTTACTTCTAGGTTTGAGTATTCCCCAACCTTGAGATCTGAATGAG-3'
Protein context (NP_803187.1, residues 125-145): SNLEVNASWT[Lys135Arg]ERWNQEFTKH